The following is an entry in ClinVar:

ClinVar aggregate classification (germline): Likely benign. Review status: criteria provided, single submitter (1 of 4 stars). 2 submissions from 2 submitters: Likely benign (1). 1 of the submissions does not count toward it. Last evaluated 2025-08-04.

Conditions:
SETX-related disorder. Also called: SETX-related disorders; SETX-related condition. Identifiers: MedGen CN239403.
Amyotrophic lateral sclerosis type 4 (ALS4). Also called: AMYOTROPHIC LATERAL SCLEROSIS 4, JUVENILE; NEURONOPATHY, DISTAL HEREDITARY MOTOR, WITH PYRAMIDAL FEATURES. Identifiers: Orphanet 357043, MedGen C1865409, MONDO:0011223, OMIM 602433.
Spinocerebellar ataxia, autosomal recessive, with axonal neuropathy 2 (SCAN2). Also called: Ataxia with Oculomotor Apraxia Type 2; ATAXIA-OCULOMOTOR APRAXIA 2; Ataxia with Oculomotor Apraxia; Ataxia-ocular apraxia-2. Identifiers: Orphanet 64753, MedGen C1853761, MONDO:0018996, OMIM 606002.

Allele frequency attached by ClinVar (database versions not stated): TOPMed 0.00001.
gnomAD v4.1: 11 of 1,613,622 alleles (0.00068%); highest among the groups gnomAD compares: Admixed American, 0.015%; no homozygotes.

Submissions (2):

Labcorp Genetics (formerly Invitae), Labcorp
Classification: Likely benign for Amyotrophic lateral sclerosis type 4; Spinocerebellar ataxia, autosomal recessive, with axonal neuropathy 2. Last evaluated: 2025-08-04. Review status: criteria provided, single submitter. Criteria: Invitae Variant Classification Sherloc (09022015). Collection method: clinical testing. Allele origin: germline.

PreventionGenetics, part of Exact Sciences
Classification: Likely benign for SETX-related condition. Last evaluated: 2024-08-06. Review status: no assertion criteria provided. Collection method: clinical testing. Allele origin: germline. Not counted in ClinVar's aggregate classification.
Comment: This variant is classified as likely benign based on ACMG/AMP sequence variant interpretation guidelines (Richards et al. 2015 PMID: 25741868, with internal and published modifications).

NM_015046.7(SETX):c.3966C>A (p.Thr1322=)

Gene: SETX (senataxin; minus strand). Cytogenetic location: 9q34.13.
Variant type: single nucleotide variant.
Coding change: c.3966C>A on transcript NM_015046.7 (MANE Select); coding-DNA position 3966, C replaced by A.
Protein change: p.Thr1322=; no amino-acid change (threonine 1322 retained).
Molecular consequence: synonymous variant.
Genome position (GRCh38, 1-based): chr9:132,327,632, G>T on the plus strand (C>A on the coding strand, the complement: SETX is on the minus strand). VCF-style: chr9-132327632-G-T. GRCh37 (hg19) VCF-style: chr9-135203019-G-T.
Other names: c.3966C>A, p.Thr1322= (NM_001351527.2, NM_001351528.2).
Identifiers: ClinVar variation 771964 (VCV000771964.6), dbSNP rs772257618, ClinGen allele CA5297295.